The following is an entry in ClinVar:

ClinVar aggregate classification (germline): Likely benign (0 of 4 stars; one submission).

Conditions:
MACF1-related disorder. Also called: MACF1-related condition.

Allele frequency attached by ClinVar (database versions not stated): gnomAD 0.00001; TOPMed 0.00002; gnomAD exomes 0.00004.
gnomAD v4.1: 58 of 1,614,052 alleles (0.0036%); highest among the groups gnomAD compares: Non-Finnish European, 0.0048%; no homozygotes.

Submission:

PreventionGenetics, part of Exact Sciences
Classification: Likely benign for MACF1-related condition. Last evaluated: 2021-09-13. Review status: no assertion criteria provided. Collection method: clinical testing. Allele origin: germline.
Comment: This variant is classified as likely benign based on ACMG/AMP sequence variant interpretation guidelines (Richards et al. 2015 PMID: 25741868, with internal and published modifications).

NM_001394062.1(MACF1):c.1482C>T (p.Tyr494=)

Gene: MACF1 (microtubule actin crosslinking factor 1; plus strand). Cytogenetic location: 1p34.3.
Variant type: single nucleotide variant.
Coding change: c.1482C>T on transcript NM_001394062.1 (MANE Select); coding-DNA position 1482, C replaced by T.
Protein change: p.Tyr494=; no amino-acid change (tyrosine 494 retained).
Molecular consequence: synonymous variant.
Genome position (GRCh38, 1-based): chr1:39,285,732, C>T. VCF-style: chr1-39285732-C-T. GRCh37 (hg19) VCF-style: chr1-39751404-C-T.
Other names: c.1497C>T, p.Tyr499= (NM_012090.5).
Identifiers: ClinVar variation 3030667 (VCV003030667.2), dbSNP rs763439946, ClinGen allele CA20908510.
Genomic context (GRCh38, chr1:39,285,732, plus strand): 5'-GTGTGAAGGTCTCATCAGGCAGCTGCAGGTGGATCTCCAGATCCTGCGGGATGAGAATTA[C>T]TACCAGCTAGAAGAGCTGGCTTTTAGGTGAGGAACAAGGGACTCAAATGGAGGGCTTGCT-3'
Protein context (NP_001380991.1, residues 484-504): VDLQILRDEN[Tyr494=]YQLEELAFRV